The following is an entry in ClinVar:

NM_014476.6(PDLIM3):c.989A>C (p.Lys330Thr)

Gene: PDLIM3 (PDZ and LIM domain 3; minus strand). Cytogenetic location: 4q35.1.
Variant type: single nucleotide variant.
Coding change: c.989A>C on transcript NM_014476.6 (MANE Select); coding-DNA position 989, A replaced by C.
Protein change: p.Lys330Thr; replaces lysine 330 with threonine.
Molecular consequence: missense variant. On other transcripts: non-coding transcript variant (1).
Genome position (GRCh38, 1-based): chr4:185,502,400, T>G on the plus strand (A>C on the coding strand, the complement: PDLIM3 is on the minus strand). VCF-style: chr4-185502400-T-G. GRCh37 (hg19) VCF-style: chr4-186423554-T-G.
Other names: c.845A>C, p.Lys282Thr (NM_001114107.5); c.725A>C, p.Lys242Thr (NM_001257962.2); c.488A>C, p.Lys163Thr (NM_001257963.2); short protein forms K163T, K242T, K282T, K330T.
Identifiers: ClinVar variation 1718743 (VCV001718743.6), dbSNP rs1433516310, ClinGen allele CA358919505.

ClinVar aggregate classification (germline): Uncertain significance (1 of 4 stars; one submission).

Conditions:
Primary dilated cardiomyopathy (DCM). Also called: Dilated Cardiomyopathy. Identifiers: Orphanet 217604, MedGen C0007193, MeSH D002311, MONDO:0005021, HP:0001644. Inheritance: Various modes of inheritance.
Hypertrophic cardiomyopathy. Also called: HYPERTROPHIC MYOCARDIOPATHY. Identifiers: Orphanet 217569, MedGen C0007194, MeSH D002312, MONDO:0005045, HP:0001639.

Allele frequency attached by ClinVar (database versions not stated): gnomAD exomes below 0.00001.
gnomAD v4.1: 1 of 1,614,204 alleles (0.000062%); highest among the groups gnomAD compares: Non-Finnish European, 0.000085%; no homozygotes.

Submission:

Labcorp Genetics (formerly Invitae), Labcorp
Classification: Uncertain significance for Hypertrophic cardiomyopathy; Primary dilated cardiomyopathy. Last evaluated: 2025-09-02. Review status: criteria provided, single submitter. Criteria: Invitae Variant Classification Sherloc (09022015). Collection method: clinical testing. Allele origin: germline.
Comment: This sequence change replaces lysine, which is basic and polar, with threonine, which is neutral and polar, at codon 330 of the PDLIM3 protein (p.Lys330Thr). This variant is present in population databases (no rsID available, gnomAD 0.0009%). This variant has not been reported in the literature in individuals affected with PDLIM3-related conditions. ClinVar contains an entry for this variant (Variation ID: 1718743). Invitae Evidence Modeling of protein sequence and biophysical properties (such as structural, functional, and spatial information, amino acid conservation, physicochemical variation, residue mobility, and thermodynamic stability) indicates that this missense variant is not expected to disrupt PDLIM3 protein function with a negative predictive value of 80%. In summary, the available evidence is currently insufficient to determine the role of this variant in disease. Therefore, it has been classified as a Variant of Uncertain Significance.